The following is an entry in ClinVar:

NM_003001.5(SDHC):c.419G>A (p.Gly140Glu)

Gene: SDHC (succinate dehydrogenase complex subunit C; plus strand). Cytogenetic location: 1q23.3.
Variant type: single nucleotide variant.
Coding change: c.419G>A on transcript NM_003001.5 (MANE Select); coding-DNA position 419, G replaced by A.
Protein change: p.Gly140Glu; replaces glycine 140 with glutamic acid.
Molecular consequence: missense variant. On other transcripts: synonymous variant (3), non-coding transcript variant (1).
Genome position (GRCh38, 1-based): chr1:161,362,342, G>A. VCF-style: chr1-161362342-G-A. GRCh37 (hg19) VCF-style: chr1-161332132-G-A.
Other names: c.255G>A, p.Arg85= (NM_001035511.3); c.317G>A, p.Gly106Glu (NM_001035512.3); c.260G>A, p.Gly87Glu (NM_001035513.3); c.153G>A, p.Arg51= (NM_001278172.3); c.539G>A, p.Gly180Glu (NM_001407115.1); c.362G>A, p.Gly121Glu (NM_001407116.1); c.356G>A, p.Gly119Glu (NM_001407117.1); c.311G>A, p.Gly104Glu (NM_001407118.1); and 2 more; short protein forms G103E, G180E, G87E, G104E, G106E, G119E, G121E, G140E.
Identifiers: ClinVar variation 2932501 (VCV002932501.4), dbSNP rs2526571924, ClinGen allele CA343457579.

ClinVar aggregate classification (germline): Conflicting classifications of pathogenicity. Review status: criteria provided, conflicting classifications (1 of 4 stars). 2 submissions from 2 submitters: Likely pathogenic (1); Uncertain significance (1). Last evaluated 2026-04-30.

Conditions:
Hereditary cancer-predisposing syndrome. Also called: Neoplastic Syndromes, Hereditary; Hereditary neoplastic syndrome; Tumor predisposition; Hereditary Cancer Syndrome. Identifiers: Orphanet 140162, MedGen C0027672, MeSH D009386, MONDO:0015356.
Gastrointestinal stromal tumor. Also called: Gastrointestinal stromal tumor, somatic; Gastrointestinal stroma tumor. Identifiers: Orphanet 44890, MedGen C0238198, MeSH D046152, MONDO:0011719, OMIM 606764, HP:0100723.
Pheochromocytoma/paraganglioma syndrome 3. Also called: GLOMUS TUMORS, FAMILIAL, 3; Paragangliomas 3; SDHC-Related Hereditary Paraganglioma-Pheochromocytoma Syndrome (Paragangliomas 3); SDHC-Related Hereditary Paraganglioma-Pheochromocytoma Syndrome. Identifiers: Orphanet 29072, MedGen C1854336, MONDO:0011544, OMIM 605373.

Submissions (2):

Ambry Genetics
Classification: Likely pathogenic for Hereditary cancer-predisposing syndrome. Last evaluated: 2026-04-30. Review status: criteria provided, single submitter. Criteria: Ambry Variant Classification Scheme 2023. Collection method: clinical testing. Allele origin: germline.
Comment: The p.G140E variant (also known as c.419G>A), located in coding exon 6 of the SDHC gene, results from a G to A substitution at nucleotide position 419. The glycine at codon 140 is replaced by glutamic acid, an amino acid with similar properties. This variant was reported in individuals with features consistent with SDHC-related hereditary pheochromocytoma-paraganglioma (Lefebvre S et al. Horm Metab Res, 2012 May;44:334-8; Vamecq J et al. Biochimie, 2022 Oct;201:196-203). This amino acid position is highly conserved in available vertebrate species. In addition, this alteration is predicted to be deleterious by in silico analysis. Based on the majority of available evidence to date, this variant is likely to be pathogenic.

Labcorp Genetics (formerly Invitae), Labcorp
Classification: Uncertain significance for Pheochromocytoma/paraganglioma syndrome 3; Gastrointestinal stromal tumor. Last evaluated: 2023-06-14. Review status: criteria provided, single submitter. Criteria: Invitae Variant Classification Sherloc (09022015). Collection method: clinical testing. Allele origin: germline.
Comment: In summary, the available evidence is currently insufficient to determine the role of this variant in disease. Therefore, it has been classified as a Variant of Uncertain Significance. Advanced modeling of protein sequence and biophysical properties (such as structural, functional, and spatial information, amino acid conservation, physicochemical variation, residue mobility, and thermodynamic stability) performed at Invitae indicates that this missense variant is expected to disrupt SDHC protein function. This missense change has been observed in individual(s) with clinical features of SDHC-related conditions (PMID: 22517554). This variant is not present in population databases (gnomAD no frequency). This sequence change replaces glycine, which is neutral and non-polar, with glutamic acid, which is acidic and polar, at codon 140 of the SDHC protein (p.Gly140Glu).

Literature cited by the submitters: PubMed 22517554 (cited by Ambry Genetics and Labcorp Genetics (formerly Invitae), Labcorp); PubMed 35870552 (cited by Ambry Genetics).